The following is an entry in ClinVar:

NM_000426.4(LAMA2):c.6658C>G (p.Pro2220Ala)

Gene: LAMA2 (laminin subunit alpha 2; plus strand). Cytogenetic location: 6q22.33.
Variant type: single nucleotide variant.
Coding change: c.6658C>G on transcript NM_000426.4 (MANE Select); coding-DNA position 6658, C replaced by G.
Protein change: p.Pro2220Ala; replaces proline 2220 with alanine.
Molecular consequence: missense variant.
Genome position (GRCh38, 1-based): chr6:129,454,239, C>G. VCF-style: chr6-129454239-C-G. GRCh37 (hg19) VCF-style: chr6-129775384-C-G.
Other names: c.6658C>G, p.Pro2220Ala (NM_001079823.2); short protein forms P2220A.
Identifiers: ClinVar variation 1001359 (VCV001001359.9), dbSNP rs772807124, ClinGen allele CA365617149.

ClinVar aggregate classification (germline): Uncertain significance (1 of 4 stars; one submission).

Conditions:
LAMA2-related muscular dystrophy (LAMA2-RD). Also called: Laminin alpha 2-related dystrophy. Identifiers: MedGen C5679788, MONDO:0100228.

gnomAD v4.1: 2 of 1,612,186 alleles (0.00012%); highest among the groups gnomAD compares: Non-Finnish European, 0.000085%; no homozygotes.

Submission:

Labcorp Genetics (formerly Invitae), Labcorp
Classification: Uncertain significance for LAMA2-related muscular dystrophy. Last evaluated: 2022-06-13. Review status: criteria provided, single submitter. Criteria: Invitae Variant Classification Sherloc (09022015). Collection method: clinical testing. Allele origin: germline.
Comment: Advanced modeling of protein sequence and biophysical properties (such as structural, functional, and spatial information, amino acid conservation, physicochemical variation, residue mobility, and thermodynamic stability) performed at Invitae indicates that this missense variant is not expected to disrupt LAMA2 protein function. In summary, the available evidence is currently insufficient to determine the role of this variant in disease. Therefore, it has been classified as a Variant of Uncertain Significance. ClinVar contains an entry for this variant (Variation ID: 1001359). This variant has not been reported in the literature in individuals affected with LAMA2-related conditions. This variant is not present in population databases (gnomAD no frequency). This sequence change replaces proline, which is neutral and non-polar, with alanine, which is neutral and non-polar, at codon 2220 of the LAMA2 protein (p.Pro2220Ala).